The following is an entry in ClinVar:

NM_020061.6(OPN1LW):c.529T>C (p.Trp177Arg)

Gene: OPN1LW (opsin 1, long wave sensitive; plus strand). Cytogenetic location: Xq28.
Variant type: single nucleotide variant.
Coding change: c.529T>C on transcript NM_020061.6 (MANE Select); coding-DNA position 529, T replaced by C.
Protein change: p.Trp177Arg; replaces tryptophan 177 with arginine.
Molecular consequence: missense variant.
Genome position (GRCh38, 1-based): chrX:154,153,059, T>C. VCF-style: chrX-154153059-T-C. GRCh37 (hg19) VCF-style: chrX-153418532-T-C.
Other names: short protein forms W177R.
Identifiers: ClinVar variation 4755692 (VCV004755692.2).
Genomic context (GRCh38, chrX:154,153,059, plus strand): 5'-AAGCCCTTTGGCAATGTGAGATTTGATGCCAAGCTGGCCATCGTGGGCATTGCCTTCTCC[T>C]GGATCTGGGCTGCTGTGTGGACAGCCCCGCCCATCTTTGGTTGGAGCAGGTAAGGGTGCG-3'
Protein context (NP_064445.2, residues 167-187): KLAIVGIAFS[Trp177Arg]IWAAVWTAPP

ClinVar aggregate classification (germline): Pathogenic (1 of 4 stars; one submission).

Submission:

GeneDx
Classification: Pathogenic. Last evaluated: 2026-07-07. Review status: criteria provided, single submitter. Criteria: GeneDx Variant Classification Process June 2021. Collection method: clinical testing. Allele origin: germline.
Comment: Not observed at significant frequency in large population cohorts (gnomAD); In silico analysis supports that this missense variant has a deleterious effect on protein structure/function; This variant is associated with the following publications: (PMID: 20579627, 37001420, 34547123)